The following is an entry in ClinVar:

ClinVar aggregate classification (germline): Uncertain significance (1 of 4 stars; one submission).

Conditions:
Multiple endocrine neoplasia, type 1 (MEN1). Also called: MEN I; WERMER SYNDROME; Endocrine adenomatosis multiple; MEN 1; MEA I. Identifiers: Orphanet 652, MedGen C0025267, MeSH D018761, MONDO:0007540, OMIM 131100.

Allele frequency attached by ClinVar (database versions not stated): TOPMed below 0.00001.
gnomAD v4.1: 2 of 1,603,728 alleles (0.00012%); highest among the groups gnomAD compares: African/African-American, 0.0013%; no homozygotes.

Submission:

Labcorp Genetics (formerly Invitae), Labcorp
Classification: Uncertain significance for Multiple endocrine neoplasia, type 1. Last evaluated: 2025-12-17. Review status: criteria provided, single submitter. Criteria: Invitae Variant Classification Sherloc (09022015). Collection method: clinical testing. Allele origin: germline.
Comment: This sequence change replaces alanine, which is neutral and non-polar, with valine, which is neutral and non-polar, at codon 510 of the MEN1 protein (p.Ala510Val). This variant is not present in population databases (gnomAD no frequency). This variant has not been reported in the literature in individuals affected with MEN1-related conditions. ClinVar contains an entry for this variant (Variation ID: 1468392). Invitae Evidence Modeling of protein sequence and biophysical properties (such as structural, functional, and spatial information, amino acid conservation, physicochemical variation, residue mobility, and thermodynamic stability) indicates that this missense variant is not expected to disrupt MEN1 protein function with a negative predictive value of 80%. In summary, the available evidence is currently insufficient to determine the role of this variant in disease. Therefore, it has been classified as a Variant of Uncertain Significance.

NM_001370259.2(MEN1):c.1529C>T (p.Ala510Val)

Gene: MEN1 (menin 1; minus strand). Cytogenetic location: 11q13.1.
Variant type: single nucleotide variant.
Coding change: c.1529C>T on transcript NM_001370259.2 (MANE Select); coding-DNA position 1529, C replaced by T.
Protein change: p.Ala510Val; replaces alanine 510 with valine.
Molecular consequence: missense variant.
Genome position (GRCh38, 1-based): chr11:64,804,638, G>A on the plus strand (C>T on the coding strand, the complement: MEN1 is on the minus strand). VCF-style: chr11-64804638-G-A. GRCh37 (hg19) VCF-style: chr11-64572110-G-A.
Other names: c.1544C>T, p.Ala515Val (NM_000244.4, NM_130800.3, NM_130801.3 and 3 more transcripts); c.1655C>T, p.Ala552Val (NM_001370251.2); c.1529C>T, p.Ala510Val (NM_001370260.2, NM_001370261.2, NM_130799.3); c.1424C>T, p.Ala475Val (NM_001370262.2, NM_001370263.2); short protein forms A515V, A475V, A510V, A552V.
Identifiers: ClinVar variation 1468392 (VCV001468392.6), dbSNP rs1356056436, ClinGen allele CA381178653.